The following is an entry in ClinVar:

NM_024422.6(DSC2):c.1300del (p.Gln434fs)

Gene: DSC2 (desmocollin 2; minus strand). Cytogenetic location: 18q12.1.
Variant type: Deletion.
Coding change: c.1300del on transcript NM_024422.6 (MANE Select); coding-DNA position 1300, one base deleted (C; older notation c.1300delC).
Protein change: p.Gln434fs; shifts the reading frame from glutamine 434.
Molecular consequence: frameshift variant.
Genome position (GRCh38, 1-based): chr18:31,080,316, G deleted on the plus strand (C on the coding strand, the reverse complement: DSC2 is on the minus strand). VCF-style (leftmost placement, unchanged base first): chr18-31080315-TG-T. GRCh37 (hg19) VCF-style: chr18-28660281-TG-T.
Other names: c.871del, p.Gln291fs (NM_001406506.1, NM_001406507.1); c.1300del, p.Gln434fs (NM_004949.5); short protein forms Q291fs, Q434fs.
Identifiers: ClinVar variation 3386530 (VCV003386530.1).

ClinVar aggregate classification (germline): Uncertain significance (1 of 4 stars; one submission).

Conditions:
Familial isolated arrhythmogenic right ventricular dysplasia. Identifiers: Orphanet 217656, MedGen C4274968, MONDO:0016342.

Submission:

All of Us Research Program, National Institutes of Health
Classification: Uncertain significance for Familial isolated arrhythmogenic right ventricular dysplasia. Last evaluated: 2024-04-25. Review status: criteria provided, single submitter. Criteria: ACMG Guidelines, 2015. Collection method: clinical testing. Allele origin: germline. Inheritance: Autosomal dominant inheritance. Observed: 1 variant allele, 1 heterozygote.
Comment: This variant deletes 1 nucleotide in exon 10 of the DSC2 gene, creating a frameshift and premature translation stop signal. This variant is expected to result in an absent or non-functional protein product. To our knowledge, this variant has not been reported in individuals affected with DSC2-related disorders in the literature. This variant has not been identified in the general population by the Genome Aggregation Database (gnomAD). Although there is a suspicion for a pathogenic role, the clinical relevance of loss-of-function DSC2 truncation and splice variants in autosomal dominant arrhythmogenic cardiomyopathy is not yet clearly established. The available evidence is insufficient to determine the role of this variant in disease conclusively. Therefore, this variant is classified as a Variant of Uncertain Significance.

This study involves interpretation of variants in research participants for the purpose of population health screening. Participant phenotype was not available at the time of variant classification. Additional details can be found in publication PMID: 35346344, PMCID: PMC8962531